The following is an entry in ClinVar:

NC_000009.12:g.(?_34645559)_(34651238_?)del

Genes: GALT (galactose-1-phosphate uridylyltransferase; plus strand), LOC130001682 (ATAC-STARR-seq lymphoblastoid active region 28313; plus strand), LOC130001683 (ATAC-STARR-seq lymphoblastoid active region 28314; plus strand). Cytogenetic location: 9p13.3.
Variant type: Deletion.
Identifiers: ClinVar variation 459626 (VCV000459626.3).

ClinVar aggregate classification (germline): Pathogenic (1 of 4 stars; one submission).

Conditions:
Deficiency of UDPglucose-hexose-1-phosphate uridylyltransferase. Also called: GALACTOSE-1-PHOSPHATE URIDYLYLTRANSFERASE DEFICIENCY; GALT deficiency; Galactosemia, classic; Transferase Deficiency Galactosemia; GALACTOSEMIA I. Identifiers: Orphanet 352, Orphanet 79239, MedGen C0268151, MONDO:0009258, OMIM 230400.

Submission:

Labcorp Genetics (formerly Invitae), Labcorp
Classification: Pathogenic for Deficiency of UDPglucose-hexose-1-phosphate uridylyltransferase. Last evaluated: 2019-08-28. Review status: criteria provided, single submitter. Criteria: Invitae Variant Classification Sherloc (09022015). Collection method: clinical testing. Allele origin: germline.
Comment: This variant is a gross deletion of the genomic region encompassing the majority of exons 1-11 of the GALT gene, though a small portion of exon 8 is retained. It is expected to result in an absent or disrupted protein product. This particular deletion has been reported in individuals affected with galactosemia (PMID: 17079880), and other deletions of the entire GALT sequence have also been reported in affected individuals (PMID: 15841485, 11286505). Loss-of-function variants in GALT are known to be pathogenic (PMID: 22944367). For these reasons, this variant has been classified as Pathogenic.

Literature cited by the submitters: PubMed 15841485; PubMed 11286505; PubMed 17079880.